The following is an entry in ClinVar:

ClinVar aggregate classification (germline): Uncertain significance (1 of 4 stars; one submission).

Conditions:
Aniridia 1 (AN1). Identifiers: Orphanet 250923, MedGen C0344542, MONDO:0024507, OMIM 106210.
Irido-corneo-trabecular dysgenesis (ASGD5). Also called: ANTERIOR SEGMENT DYSGENESIS 5. Identifiers: Orphanet 708, MedGen C0344559, MONDO:0011414, OMIM 604229, HP:0000659.

Submission:

Labcorp Genetics (formerly Invitae), Labcorp
Classification: Uncertain significance for Aniridia 1; Irido-corneo-trabecular dysgenesis. Last evaluated: 2025-09-08. Review status: criteria provided, single submitter. Criteria: Invitae Variant Classification Sherloc (09022015). Collection method: clinical testing. Allele origin: germline.
Comment: This sequence change replaces threonine, which is neutral and polar, with serine, which is neutral and polar, at codon 173 of the PAX6 protein (p.Thr173Ser). Information on the frequency of this variant in the gnomAD database is not available, as this variant may be reported differently in the database. This variant has not been reported in the literature in individuals affected with PAX6-related conditions. Experimental studies and prediction algorithms are not available or were not evaluated, and the functional significance of this variant is currently unknown. In summary, the available evidence is currently insufficient to determine the role of this variant in disease. Therefore, it has been classified as a Variant of Uncertain Significance.

NM_001368894.2(PAX6):c.558_559delinsCT (p.Thr187Ser)

Gene: PAX6 (paired box 6; minus strand). Cytogenetic location: 11p13.
Variant type: Indel.
Coding change: c.558_559delinsCT on transcript NM_001368894.2 (MANE Select); coding-DNA positions 558 to 559, TA replaced by CT.
Protein change: p.Thr187Ser; replaces threonine 187 with serine.
Molecular consequence: missense variant. On other transcripts: non-coding transcript variant (2).
Genome position (GRCh38, 1-based): chr11:31,800,697-31,800,698, TA replaced by AG on the plus strand (TA replaced by CT on the coding strand, the reverse complement: PAX6 is on the minus strand). VCF-style: chr11-31800697-TA-AG. GRCh37 (hg19) VCF-style: chr11-31822245-TA-AG.
Other names: c.516_517delinsCT, p.Thr173Ser (NM_000280.6, NM_001127612.3, NM_001258464.2 and 10 more transcripts); c.558_559delinsCT, p.Thr187Ser (NM_001258462.3, NM_001258463.2, NM_001310158.2 and 6 more transcripts); c.108_109delinsCT, p.Thr37Ser (NM_001310160.2, NM_001310161.3, NM_001368899.2 and 11 more transcripts); c.759_760delinsCT, p.Thr254Ser (NM_001368910.2); c.561_562delinsCT, p.Thr188Ser (NM_001368911.2); c.633_634delinsCT, p.Thr212Ser (NM_001368918.2, NM_001368919.2); c.591_592delinsCT, p.Thr198Ser (NM_001368920.2); c.357_358delinsCT, p.Thr120Ser (NM_001368921.2, NM_001368922.2, NM_001368923.2 and 4 more transcripts); and 1 more; short protein forms T212S, T173S, T120S, T187S, T198S, T106S, T188S, T254S.
Identifiers: ClinVar variation 4794013 (VCV004794013.1).